The following is an entry in ClinVar:

ClinVar aggregate classification (germline): Uncertain significance (1 of 4 stars; one submission).

Conditions:
Parathyroid carcinoma (PRTC). Also called: Parathyroid gland carcinoma; CDC73-Related Parathyroid Carcinoma. Identifiers: Orphanet 143, MedGen C0687150, MONDO:0012004, OMIM 608266, HP:0006780.

Submission:

Labcorp Genetics (formerly Invitae), Labcorp
Classification: Uncertain significance for Parathyroid carcinoma. Last evaluated: 2021-08-09. Review status: criteria provided, single submitter. Criteria: Invitae Variant Classification Sherloc (09022015). Collection method: clinical testing. Allele origin: germline.
Comment: This sequence change replaces proline with threonine at codon 335 of the CDC73 protein (p.Pro335Thr). The proline residue is moderately conserved and there is a small physicochemical difference between proline and threonine. This variant is not present in population databases (ExAC no frequency). This variant has not been reported in the literature in individuals affected with CDC73-related conditions. Algorithms developed to predict the effect of missense changes on protein structure and function (SIFT, PolyPhen-2, Align-GVGD) all suggest that this variant is likely to be tolerated. In summary, the available evidence is currently insufficient to determine the role of this variant in disease. Therefore, it has been classified as a Variant of Uncertain Significance.

NM_024529.5(CDC73):c.1003C>A (p.Pro335Thr)

Gene: CDC73 (cell division cycle 73; plus strand). Cytogenetic location: 1q31.2.
Variant type: single nucleotide variant.
Coding change: c.1003C>A on transcript NM_024529.5 (MANE Select); coding-DNA position 1003, C replaced by A.
Protein change: p.Pro335Thr; replaces proline 335 with threonine.
Molecular consequence: missense variant.
Genome position (GRCh38, 1-based): chr1:193,203,825, C>A. VCF-style: chr1-193203825-C-A. GRCh37 (hg19) VCF-style: chr1-193172955-C-A.
Other names: short protein forms P335T.
Identifiers: ClinVar variation 1373795 (VCV001373795.6), dbSNP rs779180488, ClinGen allele CA344076139.